The following is an entry in ClinVar:

ClinVar aggregate classification (germline): Uncertain significance (1 of 4 stars; one submission).

Submission:

GeneDx
Classification: Uncertain significance. Last evaluated: 2026-02-04. Review status: criteria provided, single submitter. Criteria: GeneDx Variant Classification Process June 2021. Collection method: clinical testing. Allele origin: germline.
Comment: Not observed at significant frequency in large population cohorts (gnomAD); In silico analysis supports that this missense variant has a deleterious effect on protein structure/function; Has not been previously published as pathogenic or benign to our knowledge

NM_001080472.4(FITM2):c.469T>A (p.Phe157Ile)

Gene: FITM2 (fat storage inducing transmembrane protein 2; minus strand). Cytogenetic location: 20q13.12.
Variant type: single nucleotide variant.
Coding change: c.469T>A on transcript NM_001080472.4 (MANE Select); coding-DNA position 469, T replaced by A.
Protein change: p.Phe157Ile; replaces phenylalanine 157 with isoleucine.
Molecular consequence: missense variant.
Genome position (GRCh38, 1-based): chr20:44,306,945, A>T on the plus strand (T>A on the coding strand, the complement: FITM2 is on the minus strand). VCF-style: chr20-44306945-A-T. GRCh37 (hg19) VCF-style: chr20-42935585-A-T.
Other names: short protein forms F157I.
Identifiers: ClinVar variation 4976190 (VCV004976190.1).